The following is an entry in ClinVar:

NM_000059.4(BRCA2):c.3489T>A (p.Asp1163Glu)

Gene: BRCA2 (BRCA2 DNA repair associated; plus strand). Cytogenetic location: 13q13.1.
Variant type: single nucleotide variant.
Coding change: c.3489T>A on transcript NM_000059.4 (MANE Select); coding-DNA position 3489, T replaced by A.
Protein change: p.Asp1163Glu; replaces aspartic acid 1163 with glutamic acid.
Molecular consequence: missense variant.
Genome position (GRCh38, 1-based): chr13:32,337,844, T>A. VCF-style: chr13-32337844-T-A. GRCh37 (hg19) VCF-style: chr13-32911981-T-A.
Other names: short protein forms D1163E.
Identifiers: ClinVar variation 441307 (VCV000441307.15), dbSNP rs1555283263, ClinGen allele CA387776904.

ClinVar aggregate classification (germline): Conflicting classifications of pathogenicity. Review status: criteria provided, conflicting classifications (1 of 4 stars). 3 submissions from 3 submitters: Uncertain significance (2); Likely benign (1). Last evaluated 2025-11-09.

Conditions:
Hereditary cancer-predisposing syndrome. Also called: Hereditary Cancer Syndrome; Hereditary neoplastic syndrome; Neoplastic Syndromes, Hereditary; Tumor predisposition. Identifiers: Orphanet 140162, MedGen C0027672, MeSH D009386, MONDO:0015356.
Hereditary breast ovarian cancer syndrome. Also called: Hereditary breast and ovarian cancer; Breast and ovarian cancer; Hereditary breast and ovarian cancer syndrome; Hereditary breast and/or ovarian cancer syndrome; BRCA1- and BRCA2-Associated Hereditary Breast and Ovarian Cancer; Hereditary breast and ovarian cancer syndrome (HBOC). Identifiers: Orphanet 145, MedGen C0677776, MeSH D061325, MONDO:0003582. Disease mechanism: loss of function.

Submissions (3):

Ambry Genetics
Classification: Uncertain significance for Hereditary cancer-predisposing syndrome. Last evaluated: 2025-11-09. Review status: criteria provided, single submitter. Criteria: Ambry Variant Classification Scheme 2023. Collection method: clinical testing. Allele origin: germline.
Comment: The p.D1163E variant (also known as c.3489T>A), located in coding exon 10 of the BRCA2 gene, results from a T to A substitution at nucleotide position 3489. The aspartic acid at codon 1163 is replaced by glutamic acid, an amino acid with highly similar properties. This amino acid position is poorly conserved in available vertebrate species. In addition, this alteration is predicted to be tolerated by in silico analysis. Since supporting evidence is limited at this time, the clinical significance of this alteration remains unclear.

University of Washington Department of Laboratory Medicine, University of Washington
Classification: Likely benign for Hereditary cancer-predisposing syndrome. Last evaluated: 2023-03-23. Review status: criteria provided, single submitter. Criteria: Dines et al. (Genet Med. 2020). Collection method: curation. Allele origin: germline.
Comment: Missense variant in a coldspot region where missense variants are very unlikely to be pathogenic (PMID:31911673).

BRCA2 exon 11 coldspot. Reclassification based on statistical prior probability.

Labcorp Genetics (formerly Invitae), Labcorp
Classification: Uncertain significance for Hereditary breast ovarian cancer syndrome. Last evaluated: 2021-01-08. Review status: criteria provided, single submitter. Criteria: Invitae Variant Classification Sherloc (09022015). Collection method: clinical testing. Allele origin: germline.
Comment: In summary, the available evidence is currently insufficient to determine the role of this variant in disease. Therefore, it has been classified as a Variant of Uncertain Significance. Advanced modeling of protein sequence and biophysical properties (such as structural, functional, and spatial information, amino acid conservation, physicochemical variation, residue mobility, and thermodynamic stability) performed at Invitae indicates that this missense variant is not expected to disrupt BRCA2 protein function. This variant has not been reported in the literature in individuals with BRCA2-related conditions. ClinVar contains an entry for this variant (Variation ID: 441307). This variant is not present in population databases (ExAC no frequency). This sequence change replaces aspartic acid with glutamic acid at codon 1163 of the BRCA2 protein (p.Asp1163Glu). The aspartic acid residue is weakly conserved and there is a small physicochemical difference between aspartic acid and glutamic acid.